The following is an entry in ClinVar:

ClinVar aggregate classification (germline): Likely pathogenic (1 of 4 stars; one submission).

Submission:

Clinical Genomics Laboratory, Laboratory for Precision Diagnostics, University of Washington
Classification: Likely pathogenic. Last evaluated: 2024-09-20. Review status: criteria provided, single submitter. Criteria: ACMG/ClinGen CNV Guidelines, 2019. Collection method: clinical testing. Allele origin: unknown. Affected: yes. Observed: 1 variant allele, 1 mosaic individual.
Comment: This terminal duplication is approximately 11.4 Mb in size and contains at least 71 protein-coding genes. Partial duplication of 3q is a rare but well defined clinical entity characterized by developmental delay, cryptorchism, microcephaly, and characteristic dysmorphisms (PMID: 36759911, PMID: 19842202). Some cases are reported due to unbalanced translocations inherited from a parent carrying a balanced aberration. The 3q duplication is estimated to be present in approximately 40% of cells from this sample. The consequences of mosaic copy number alterations function are uncertain, and likely vary depending on the level, distribution, and specific chromosome or chromosome region involved.

Literature cited by the submitters: PubMed 36759911; PubMed 19842202.

GRCh38/hg38 3q27.3-29(chr3:186891893-198295559)x3

Genes: ACAP2 (ArfGAP with coiled-coil, ankyrin repeat and PH domains 2; minus strand), APOD (apolipoprotein D; minus strand), ATP13A3 (ATPase 13A3; minus strand), ATP13A3-DT (ATP13A3 divergent transcript; plus strand), ATP13A4 (ATPase 13A4; minus strand) and 484 more. Cytogenetic location: 3q27.3-29.
Variant type: copy number gain.
Change: copy number 3 (three copies instead of two) of chr3:186,891,893-198,295,559 (11.40 Mb, GRCh38 coordinates, 1-based), cytogenetic band 3q27.3-29.
Identifiers: ClinVar variation 4974716 (VCV004974716.1).